The following is an entry in ClinVar:

ClinVar aggregate classification (germline): Likely benign (0 of 4 stars; one submission).

Conditions:
VPS13B-related disorder. Also called: VPS13B-related condition.

Submission:

PreventionGenetics, part of Exact Sciences
Classification: Likely benign for VPS13B-related condition. Last evaluated: 2021-12-07. Review status: no assertion criteria provided. Collection method: clinical testing. Allele origin: germline.
Comment: This variant is classified as likely benign based on ACMG/AMP sequence variant interpretation guidelines (Richards et al. 2015 PMID: 25741868, with internal and published modifications).

NC_000008.11:g.100471415G>C

Gene: VPS13B (vacuolar protein sorting 13 homolog B; plus strand). Cytogenetic location: 8q22.2.
Variant type: single nucleotide variant.
Genome position: GRCh38 VCF-style: chr8-100471415-G-C. GRCh37 (hg19) VCF-style: chr8-101483643-G-C.
Identifiers: ClinVar variation 3354804 (VCV003354804.1).